The following is an entry in ClinVar:

ClinVar aggregate classification (germline): Uncertain significance. Review status: criteria provided, multiple submitters, no conflicts (2 of 4 stars). 2 submissions from 2 submitters: Uncertain significance (2). Last evaluated 2025-02-27.

Conditions:
Inborn genetic diseases. Identifiers: MedGen C0950123, MeSH D030342.
Axenfeld-Rieger syndrome type 3 (RIEG3). Also called: AXENFELD-RIEGER ANOMALY WITH CARDIAC DEFECTS AND/OR SENSORINEURAL HEARING LOSS. Identifiers: Orphanet 782, MedGen C2678503, MONDO:0011233, OMIM 602482.

Allele frequency attached by ClinVar (database versions not stated): gnomAD 0.00001; TOPMed 0.00001.
gnomAD v4.1: 3 of 1,604,848 alleles (0.00019%); highest among the groups gnomAD compares: African/African-American, 0.0027%; no homozygotes.

Submissions (2):

Labcorp Genetics (formerly Invitae), Labcorp
Classification: Uncertain significance for Axenfeld-Rieger syndrome type 3. Last evaluated: 2025-02-27. Review status: criteria provided, single submitter. Criteria: Invitae Variant Classification Sherloc (09022015). Collection method: clinical testing. Allele origin: germline.
Comment: This sequence change replaces serine, which is neutral and polar, with threonine, which is neutral and polar, at codon 506 of the FOXC1 protein (p.Ser506Thr). This variant is present in population databases (no rsID available, gnomAD 0.008%). This variant has not been reported in the literature in individuals affected with FOXC1-related conditions. ClinVar contains an entry for this variant (Variation ID: 2554245). An algorithm developed to predict the effect of missense changes on protein structure and function (PolyPhen-2) suggests that this variant is likely to be tolerated. In summary, the available evidence is currently insufficient to determine the role of this variant in disease. Therefore, it has been classified as a Variant of Uncertain Significance.

Ambry Genetics
Classification: Uncertain significance for Inborn genetic diseases. Last evaluated: 2023-05-31. Review status: criteria provided, single submitter. Criteria: Ambry Variant Classification Scheme 2023. Collection method: clinical testing. Allele origin: germline.

NM_001453.3(FOXC1):c.1516T>A (p.Ser506Thr)

Gene: FOXC1 (forkhead box C1; plus strand). Cytogenetic location: 6p25.3.
Variant type: single nucleotide variant.
Coding change: c.1516T>A on transcript NM_001453.3 (MANE Select); coding-DNA position 1516, T replaced by A.
Protein change: p.Ser506Thr; replaces serine 506 with threonine.
Molecular consequence: missense variant.
Genome position (GRCh38, 1-based): chr6:1,611,961, T>A. VCF-style: chr6-1611961-T-A. GRCh37 (hg19) VCF-style: chr6-1612196-T-A.
Other names: short protein forms S506T.
Identifiers: ClinVar variation 2554245 (VCV002554245.3), dbSNP rs1396089144, ClinGen allele CA362561093.
Genomic context (GRCh38, chr6:1,611,961, plus strand): 5'-GCGAGCGCGGCGGCGGCGGCGGCGGCCGCAGGCTACCCGGGCCAGCAGCAGAACTTCCAC[T>A]CGGTGCGGGAGATGTTCGAGTCACAGAGGATCGGCTTGAACAACTCTCCAGTGAACGGGA-3'
Protein context (NP_001444.2, residues 496-516): GYPGQQQNFH[Ser506Thr]VREMFESQRI